The following is an entry in ClinVar:

NM_001085411.3(NADK2):c.783G>T (p.Arg261Ser)

Gene: NADK2 (NAD kinase 2, mitochondrial; minus strand). Cytogenetic location: 5p13.2.
Variant type: single nucleotide variant.
Coding change: c.783G>T on transcript NM_001085411.3 (MANE Select); coding-DNA position 783, G replaced by T.
Protein change: p.Arg261Ser; replaces arginine 261 with serine.
Molecular consequence: missense variant.
Genome position (GRCh38, 1-based): chr5:36,211,921, C>A on the plus strand (G>T on the coding strand, the complement: NADK2 is on the minus strand). VCF-style: chr5-36211921-C-A. GRCh37 (hg19) VCF-style: chr5-36212023-C-A.
Other names: c.294G>T, p.Arg98Ser (NM_001287340.2, NM_001287341.2, NM_153013.5); c.783G>T (NM_001085411.1); short protein forms R261S, R98S.
Identifiers: ClinVar variation 1418331 (VCV001418331.7), dbSNP rs753606819, ClinGen allele CA3234604.
Genomic context (GRCh38, chr5:36,211,921, plus strand): 5'-CCCAATGAAGACTTCATTTAGTGCTCTCACTGGCAGAAGTTGGGGTCCTGAAGCCTCAGA[C>A]CCTGCATGTAATTTAAGACAAAGAAAATCCAAGATAGCTCCTTGATTTCTAGAAATGTTA-3'
Protein context (NP_001078880.1, residues 251-271): ALNIERAHDE[Arg261Ser]SEASGPQLLP

ClinVar aggregate classification (germline): Uncertain significance. Review status: criteria provided, multiple submitters, no conflicts (2 of 4 stars). 2 submissions from 2 submitters: Uncertain significance (2). Last evaluated 2025-01-14.

Conditions:
Inborn genetic diseases. Identifiers: MedGen C0950123, MeSH D030342.
Progressive encephalopathy with leukodystrophy due to DECR deficiency. Identifiers: Orphanet 431361, MedGen C1857252, MONDO:0014464, OMIM 616034.

Allele frequency attached by ClinVar (database versions not stated): gnomAD exomes 0.00003 and 0.00013; ExAC 0.00008; gnomAD 0.00008 and 0.00010; TOPMed 0.00014.
gnomAD v4.1: 53 of 1,609,958 alleles (0.0033%); highest among the groups gnomAD compares: Admixed American, 0.061%; no homozygotes.

Submissions (2):

Ambry Genetics
Classification: Uncertain significance for Inborn genetic diseases. Last evaluated: 2025-01-14. Review status: criteria provided, single submitter. Criteria: Ambry Variant Classification Scheme 2023. Collection method: clinical testing. Allele origin: germline.

Labcorp Genetics (formerly Invitae), Labcorp
Classification: Uncertain significance for Progressive encephalopathy with leukodystrophy due to DECR deficiency. Last evaluated: 2024-12-02. Review status: criteria provided, single submitter. Criteria: Invitae Variant Classification Sherloc (09022015). Collection method: clinical testing. Allele origin: germline.
Comment: This sequence change replaces arginine, which is basic and polar, with serine, which is neutral and polar, at codon 261 of the NADK2 protein (p.Arg261Ser). This variant is present in population databases (rs753606819, gnomAD 0.08%), and has an allele count higher than expected for a pathogenic variant. This variant has not been reported in the literature in individuals affected with NADK2-related conditions. ClinVar contains an entry for this variant (Variation ID: 1418331). An algorithm developed to predict the effect of missense changes on protein structure and function (PolyPhen-2) suggests that this variant¬†is likely to be tolerated. In summary, the available evidence is currently insufficient to determine the role of this variant in disease. Therefore, it has been classified as a Variant of Uncertain Significance.